The following is an entry in ClinVar:

NM_001447.3(FAT2):c.10507-3C>T

Genes: FAT2 (FAT atypical cadherin 2; minus strand), MIR6499 (microRNA 6499; minus strand), SLC36A1 (solute carrier family 36 member 1; plus strand), LOC132089193 (Neanderthal introgressed variant-containing enhancer experimental_82555; plus strand). Cytogenetic location: 5q33.1.
Variant type: single nucleotide variant.
Coding change: c.10507-3C>T on transcript NM_001447.3 (MANE Select); 3 bases into the intron before coding-DNA position 10507, C replaced by T.
Molecular consequence: intron variant. On other transcripts: non-coding transcript variant (1).
Genome position (GRCh38, 1-based): chr5:151,522,089, G>A on the plus strand (C>T on the coding strand, the complement: FAT2 is on the minus strand). VCF-style: chr5-151522089-G-A. GRCh37 (hg19) VCF-style: chr5-150901650-G-A.
Identifiers: ClinVar variation 3665059 (VCV003665059.2).
Genomic context (GRCh38, chr5:151,522,089, plus strand): 5'-TGACATGGACACGGACAGACGTCAAAGACGAGAGGGGAGGGATGCCACTGTCTGACGCCT[G>A]TGGGCAAAACAAACACTGCTGTCACCCAACAGAACTGCAGTGCTCTTGCGCCCGACTGAG-3'

ClinVar aggregate classification (germline): Uncertain significance (1 of 4 stars; one submission).

gnomAD v4.1: 3 of 1,575,230 alleles (0.00019%); highest among the groups gnomAD compares: East Asian, 0.0023%; no homozygotes.

Submission:

Labcorp Genetics (formerly Invitae), Labcorp
Classification: Uncertain significance. Last evaluated: 2024-11-04. Review status: criteria provided, single submitter. Criteria: Invitae Variant Classification Sherloc (09022015). Collection method: clinical testing. Allele origin: germline.
Comment: This sequence change falls in intron 17 of the FAT2 gene. It does not directly change the encoded amino acid sequence of the FAT2 protein. It affects a nucleotide within the consensus splice site. This variant is present in population databases (no rsID available, gnomAD 0.06%). This variant has not been reported in the literature in individuals affected with FAT2-related conditions. Variants that disrupt the consensus splice site are a relatively common cause of aberrant splicing (PMID: 17576681, 9536098). Algorithms developed to predict the effect of sequence changes on RNA splicing suggest that this variant is not likely to affect RNA splicing. In summary, the available evidence is currently insufficient to determine the role of this variant in disease. Therefore, it has been classified as a Variant of Uncertain Significance.

Literature cited by the submitters: PubMed 17576681; PubMed 9536098.